The following is an entry in ClinVar:

NM_000260.4(MYO7A):c.5552T>C (p.Leu1851Pro)

Gene: MYO7A (myosin VIIA; plus strand). Cytogenetic location: 11q13.5.
Variant type: single nucleotide variant.
Coding change: c.5552T>C on transcript NM_000260.4 (MANE Select); coding-DNA position 5552, T replaced by C.
Protein change: p.Leu1851Pro; replaces leucine 1851 with proline.
Molecular consequence: missense variant.
Genome position (GRCh38, 1-based): chr11:77,205,533, T>C. VCF-style: chr11-77205533-T-C. GRCh37 (hg19) VCF-style: chr11-76916578-T-C.
Other names: c.5438T>C, p.Leu1813Pro (NM_001127180.2); c.5405T>C, p.Leu1802Pro (NM_001369365.1); short protein forms L1813P, L1802P, L1851P.
Identifiers: ClinVar variation 2445647 (VCV002445647.1), dbSNP rs2497705748, ClinGen allele CA381952987.

ClinVar aggregate classification (germline): Likely pathogenic (1 of 4 stars; one submission).

Conditions:
Autosomal recessive nonsyndromic hearing loss 2. Also called: NEUROSENSORY NONSYNDROMIC RECESSIVE DEAFNESS 2; DEAFNESS, AUTOSOMAL RECESSIVE 2. Identifiers: Orphanet 90636, MedGen C1838701, MONDO:0010807, OMIM 600060.

Submission:

King Laboratory, University of Washington
Classification: Likely pathogenic for Autosomal recessive nonsyndromic hearing loss 2. Last evaluated: 2023-02-28. Review status: criteria provided, single submitter. Criteria: Li et al. (Genet Med. 2022). Collection method: research. Allele origin: unknown. Affected: yes.
Comment: This variant occurred in compound heterozygosity with a known, likely pathogenic MYO7A missense variant in two siblings with bilateral sensorineural hearing loss of onset <18 years, in a study of pediatric hearing loss conducted by the King Laboratory (Carlson RJ et al. JAMA-OtoHNS 2023). This variant is a missense at a highly conserved site in the MyTH4 domain of the MYO7A protein and is predicted to be damaging by multiple in-silico tools. As of January 2023, this variant has not been reported to ClinVar and is not found on gnomAD. Based on consistently predicted functional effect, co-segregation with the phenotype in the family, compound heterozygosity with a known likely pathogenic variant, and goodness of fit of genotype to phenotype, we conclude that this variant is likely pathogenic.

Literature cited by the submitters: PubMed 36633841.